The following is an entry in ClinVar:

NM_001148.6(ANK2):c.6040A>C (p.Lys2014Gln)

Genes: ANK2 (ankyrin 2; plus strand), LOC126807136 (MED14-independent group 3 enhancer GRCh37_chr4:114274931-114276130; plus strand). Cytogenetic location: 4q26.
Variant type: single nucleotide variant.
Coding change: c.6040A>C on transcript NM_001148.6 (MANE Select); coding-DNA position 6040, A replaced by C.
Protein change: p.Lys2014Gln; replaces lysine 2014 with glutamine.
Molecular consequence: missense variant. On other transcripts: intron variant (68).
Genome position (GRCh38, 1-based): chr4:113,354,658, A>C. VCF-style: chr4-113354658-A-C. GRCh37 (hg19) VCF-style: chr4-114275814-A-C.
Other names: c.5806A>C, p.Lys1936Gln (NM_001386142.1); c.2440A>C, p.Lys814Gln (NM_001386166.1); c.6181A>C, p.Lys2061Gln (NM_001386174.1); c.6157A>C, p.Lys2053Gln (NM_001386175.1); c.4411+4409A>C (NM_001386186.2, NM_001386148.2); c.4213+4409A>C (NM_001354269.3); c.4291+4409A>C (NM_001386187.2); c.4252+4409A>C (NM_001386147.1); and 35 more; short protein forms K2014Q, K2053Q, K814Q, K2061Q, K1936Q.
Identifiers: ClinVar variation 4744567 (VCV004744567.1).

ClinVar aggregate classification (germline): Uncertain significance (1 of 4 stars; one submission).

Conditions:
Long QT syndrome (LQTS). Identifiers: MedGen C0023976, MeSH D008133, MONDO:0002442. Disease mechanism: loss of function. Inheritance: Various modes of inheritance.

gnomAD v4.1: 2 of 1,614,074 alleles (0.00012%); highest among the groups gnomAD compares: Non-Finnish European, 0.00017%; no homozygotes.

Submission:

Labcorp Genetics (formerly Invitae), Labcorp
Classification: Uncertain significance for Long QT syndrome. Last evaluated: 2025-08-26. Review status: criteria provided, single submitter. Criteria: Invitae Variant Classification Sherloc (09022015). Collection method: clinical testing. Allele origin: germline.
Comment: This sequence change replaces lysine, which is basic and polar, with glutamine, which is neutral and polar, at codon 2014 of the ANK2 protein (p.Lys2014Gln). This variant is not present in population databases (gnomAD no frequency). This variant has not been reported in the literature in individuals affected with ANK2-related conditions. Invitae Evidence Modeling of protein sequence and biophysical properties (such as structural, functional, and spatial information, amino acid conservation, physicochemical variation, residue mobility, and thermodynamic stability) indicates that this missense variant is not expected to disrupt ANK2 protein function with a negative predictive value of 80%. In summary, the available evidence is currently insufficient to determine the role of this variant in disease. Therefore, it has been classified as a Variant of Uncertain Significance.